The following is an entry in ClinVar:

NM_001378454.1(ALMS1):c.4691C>G (p.Pro1564Arg)

Gene: ALMS1 (ALMS1 centrosome and basal body associated protein; plus strand). Cytogenetic location: 2p13.1.
Variant type: single nucleotide variant.
Coding change: c.4691C>G on transcript NM_001378454.1 (MANE Select); coding-DNA position 4691, C replaced by G.
Protein change: p.Pro1564Arg; replaces proline 1564 with arginine.
Molecular consequence: missense variant.
Genome position (GRCh38, 1-based): chr2:73,451,218, C>G. VCF-style: chr2-73451218-C-G. GRCh37 (hg19) VCF-style: chr2-73678345-C-G.
Other names: c.4694C>G, p.Pro1565Arg (NM_015120.4); short protein forms P1565R, P1564R.
Identifiers: ClinVar variation 1448945 (VCV001448945.5), dbSNP rs773841585, ClinGen allele CA1713745.

ClinVar aggregate classification (germline): Uncertain significance. Review status: criteria provided, multiple submitters, no conflicts (2 of 4 stars). 3 submissions from 3 submitters: Uncertain significance (3). Last evaluated 2025-06-30.

Conditions:
Alstrom syndrome (ALMS). Identifiers: Orphanet 64, MedGen C0268425, MONDO:0008763, OMIM 203800.

Allele frequency attached by ClinVar (database versions not stated): gnomAD exomes 0.00001; ExAC 0.00001.
gnomAD v4.1: 2 of 1,612,066 alleles (0.00012%); highest among the groups gnomAD compares: Admixed American, 0.0017%; no homozygotes.

Submissions (3):

GeneDx
Classification: Uncertain significance. Last evaluated: 2025-06-30. Review status: criteria provided, single submitter. Criteria: GeneDx Variant Classification Process June 2021. Collection method: clinical testing. Allele origin: germline.
Comment: Not observed at significant frequency in large population cohorts (gnomAD); In silico analysis suggests that this missense variant does not alter protein structure/function; Has not been previously published as pathogenic or benign to our knowledge

Fulgent Genetics
Classification: Uncertain significance for Alstrom syndrome. Last evaluated: 2021-09-06. Review status: criteria provided, single submitter. Criteria: ACMG Guidelines, 2015. Collection method: clinical testing. Allele origin: unknown.

Labcorp Genetics (formerly Invitae), Labcorp
Classification: Uncertain significance for Alstrom syndrome. Last evaluated: 2021-07-08. Review status: criteria provided, single submitter. Criteria: Invitae Variant Classification Sherloc (09022015). Collection method: clinical testing. Allele origin: germline.
Comment: This sequence change replaces proline with arginine at codon 1565 of the ALMS1 protein (p.Pro1565Arg). The proline residue is weakly conserved and there is a moderate physicochemical difference between proline and arginine. This variant is present in population databases (rs773841585, ExAC 0.009%). This variant has not been reported in the literature in individuals with ALMS1-related conditions. Experimental studies and prediction algorithms are not available or were not evaluated, and the functional significance of this variant is currently unknown. In summary, the available evidence is currently insufficient to determine the role of this variant in disease. Therefore, it has been classified as a Variant of Uncertain Significance.